The following is an entry in ClinVar:

NM_000503.6(EYA1):c.1475G>A (p.Arg492Gln)

Gene: EYA1 (EYA transcriptional coactivator and phosphatase 1; minus strand). Cytogenetic location: 8q13.3.
Variant type: single nucleotide variant.
Coding change: c.1475G>A on transcript NM_000503.6 (MANE Select); coding-DNA position 1475, G replaced by A.
Protein change: p.Arg492Gln; replaces arginine 492 with glutamine.
Molecular consequence: missense variant.
Genome position (GRCh38, 1-based): chr8:71,215,614, C>T on the plus strand (G>A on the coding strand, the complement: EYA1 is on the minus strand). VCF-style: chr8-71215614-C-T. GRCh37 (hg19) VCF-style: chr8-72127849-C-T.
Other names: c.1457G>A, p.Arg486Gln (NM_001288574.2, NM_172059.5); c.1109G>A, p.Arg370Gln (NM_001288575.2); c.1562G>A, p.Arg521Gln (NM_001370333.1); c.1475G>A, p.Arg492Gln (NM_001370334.1, NM_001370335.1, NM_172058.4); c.1454G>A, p.Arg485Gln (NM_001370336.1); short protein forms R370Q, R485Q, R486Q, R492Q, R521Q.
Identifiers: ClinVar variation 1339866 (VCV001339866.5), dbSNP rs2128850745, ClinGen allele CA371466319.

ClinVar aggregate classification (germline): Conflicting classifications of pathogenicity. Review status: criteria provided, conflicting classifications (1 of 4 stars). 2 submissions from 2 submitters: Likely pathogenic (1); Uncertain significance (1). Last evaluated 2023-03-28.

Conditions:
Branchiootorenal syndrome 1. Also called: Branchio-Oto-Renal Syndrome 1. Identifiers: Orphanet 107, MedGen C4551702, MONDO:0007236, OMIM 113650.
Melnick-Fraser syndrome (BOR). Also called: Branchio-oto-renal syndrome; Branchiootorenal Syndrome (BORS); Branchiootorenal syndrome. Identifiers: Orphanet 107, MedGen C0265234, MONDO:0007029.

Allele frequency attached by ClinVar (database versions not stated): gnomAD exomes below 0.00001.
gnomAD v4.1: 3 of 1,613,600 alleles (0.00019%); highest among the groups gnomAD compares: South Asian, 0.0011%; no homozygotes.

Submissions (2):

GeneDx
Classification: Likely pathogenic. Last evaluated: 2023-03-28. Review status: criteria provided, single submitter. Criteria: GeneDx Variant Classification Process June 2021. Collection method: clinical testing. Allele origin: germline. Affected: yes.
Comment: Not observed in large population cohorts (gnomAD); Has not been previously published as pathogenic or benign to our knowledge; In silico analysis supports that this missense variant has a deleterious effect on protein structure/function; In silico analysis is inconclusive as to whether the variant alters gene splicing. In the absence of RNA/functional studies, the actual effect of this sequence change is unknown.

Labcorp Genetics (formerly Invitae), Labcorp
Classification: Uncertain significance for Melnick-Fraser syndrome. Last evaluated: 2021-09-02. Review status: criteria provided, single submitter. Criteria: Invitae Variant Classification Sherloc (09022015). Collection method: clinical testing. Allele origin: germline.
Comment: This sequence change replaces arginine with glutamine at codon 492 of the EYA1 protein (p.Arg492Gln). The arginine residue is highly conserved and there is a small physicochemical difference between arginine and glutamine. This variant also falls at the last nucleotide of exon 15, which is part of the consensus splice site for this exon. This variant is not present in population databases (ExAC no frequency). This variant has not been reported in the literature in individuals affected with EYA1-related conditions. Algorithms developed to predict the effect of missense changes on protein structure and function are either unavailable or do not agree on the potential impact of this missense change (SIFT: "Deleterious"; PolyPhen-2: "Probably Damaging"; Align-GVGD: "Class C0"). Variants that disrupt the consensus splice site are a relatively common cause of aberrant splicing (PMID: 17576681, 9536098). Algorithms developed to predict the effect of sequence changes on RNA splicing suggest that this variant may disrupt the consensus splice site. In summary, the available evidence is currently insufficient to determine the role of this variant in disease. Therefore, it has been classified as a Variant of Uncertain Significance.

Literature cited by the submitters: PubMed 17576681 (cited by Labcorp Genetics (formerly Invitae), Labcorp); PubMed 9536098 (cited by Labcorp Genetics (formerly Invitae), Labcorp).